The following is an entry in ClinVar:

ClinVar aggregate classification (germline): Uncertain significance (1 of 4 stars; one submission).

Conditions:
PLXNA3-related disorder. Also called: PLXNA3-related condition.

gnomAD v4.1: 1 of 1,209,435 alleles (0.000083%); highest among the groups gnomAD compares: Admixed American, 0.0022%; no homozygotes.

Submission:

PreventionGenetics, part of Exact Sciences
Classification: Uncertain significance for PLXNA3-related condition. Last evaluated: 2024-11-10. Review status: criteria provided, single submitter. Criteria: ACMG Guidelines, 2015. Collection method: clinical testing. Allele origin: germline.
Comment: The PLXNA3 c.65C>A variant is predicted to result in the amino acid substitution p.Pro22His. To our knowledge, this variant has not been reported in the literature. This variant is reported in 0.0037% of alleles in individuals of Latino descent in gnomAD. At this time, the clinical significance of this variant is uncertain due to the absence of conclusive functional and genetic evidence.

NM_017514.5(PLXNA3):c.65C>A (p.Pro22His)

Gene: PLXNA3 (plexin A3; plus strand). Cytogenetic location: Xq28.
Variant type: single nucleotide variant.
Coding change: c.65C>A on transcript NM_017514.5 (MANE Select); coding-DNA position 65, C replaced by A.
Protein change: p.Pro22His; replaces proline 22 with histidine.
Molecular consequence: missense variant.
Genome position (GRCh38, 1-based): chrX:154,460,248, C>A. VCF-style: chrX-154460248-C-A. GRCh37 (hg19) VCF-style: chrX-153688588-C-A.
Other names: short protein forms P22H.
Identifiers: ClinVar variation 4998362 (VCV004998362.1).